The following is an entry in ClinVar:

NM_000222.3(KIT):c.1202C>T (p.Ala401Val)

Gene: KIT (KIT proto-oncogene, receptor tyrosine kinase; plus strand). Cytogenetic location: 4q12.
Variant type: single nucleotide variant.
Coding change: c.1202C>T on transcript NM_000222.3 (MANE Select); coding-DNA position 1202, C replaced by T.
Protein change: p.Ala401Val; replaces alanine 401 with valine.
Molecular consequence: missense variant.
Genome position (GRCh38, 1-based): chr4:54,709,510, C>T. VCF-style: chr4-54709510-C-T. GRCh37 (hg19) VCF-style: chr4-55575676-C-T.
Other names: c.1202C>T, p.Ala401Val (NM_001093772.2, NM_001385285.1, NM_001385286.1); c.1205C>T, p.Ala402Val (NM_001385284.1, NM_001385288.1, NM_001385290.1 and 1 more transcripts); short protein forms A401V, A402V.
Identifiers: ClinVar variation 5023281 (VCV005023281.1).

ClinVar aggregate classification (germline): Uncertain significance (1 of 4 stars; one submission).

Conditions:
Hereditary cancer-predisposing syndrome. Also called: Neoplastic Syndromes, Hereditary; Tumor predisposition; Hereditary neoplastic syndrome; Hereditary Cancer Syndrome. Identifiers: Orphanet 140162, MedGen C0027672, MeSH D009386, MONDO:0015356.

gnomAD v4.1: 1 of 1,610,260 alleles (0.000062%); highest among the groups gnomAD compares: Non-Finnish European, 0.000085%; no homozygotes.

Submission:

Ambry Genetics
Classification: Uncertain significance for Hereditary cancer-predisposing syndrome. Last evaluated: 2026-07-07. Review status: criteria provided, single submitter. Criteria: Ambry Variant Classification Scheme 2023. Collection method: clinical testing. Allele origin: germline.
Comment: The p.A401V variant (also known as c.1202C>T), located in coding exon 7 of the KIT gene, results from a C to T substitution at nucleotide position 1202. The alanine at codon 401 is replaced by valine, an amino acid with similar properties. This amino acid position is conserved. In addition, this alteration is predicted to be tolerated by in silico analysis. Based on the available evidence, the clinical significance of this variant remains unclear.